The following is an entry in ClinVar:

ClinVar aggregate classification (germline): Conflicting classifications of pathogenicity. Review status: criteria provided, conflicting classifications (1 of 4 stars). 3 submissions from 3 submitters: Uncertain significance (2); Likely benign (1). Last evaluated 2025-09-09.

Conditions:
COL4A2-related disorder. Also called: COL4A2-related disorders; COL4A2-related condition.

Allele frequency attached by ClinVar (database versions not stated): ExAC 0.00003; gnomAD 0.00005; TOPMed 0.00007; ESP Exome Variant Server 0.00008; gnomAD exomes 0.00012.
gnomAD v4.1: 185 of 1,614,152 alleles (0.011%); highest among the groups gnomAD compares: Non-Finnish European, 0.014%; no homozygotes.

Submissions (3):

Labcorp Genetics (formerly Invitae), Labcorp
Classification: Uncertain significance. Last evaluated: 2025-09-09. Review status: criteria provided, single submitter. Criteria: Invitae Variant Classification Sherloc (09022015). Collection method: clinical testing. Allele origin: germline.
Comment: This sequence change replaces proline, which is neutral and non-polar, with serine, which is neutral and polar, at codon 1610 of the COL4A2 protein (p.Pro1610Ser). This variant is present in population databases (rs377451586, gnomAD 0.007%). This variant has not been reported in the literature in individuals affected with COL4A2-related conditions. ClinVar contains an entry for this variant (Variation ID: 2643956). Invitae Evidence Modeling of protein sequence and biophysical properties (such as structural, functional, and spatial information, amino acid conservation, physicochemical variation, residue mobility, and thermodynamic stability) has been performed for this missense variant. However, the output from this modeling did not meet the statistical confidence thresholds required to predict the impact of this variant on COL4A2 protein function. In summary, the available evidence is currently insufficient to determine the role of this variant in disease. Therefore, it has been classified as a Variant of Uncertain Significance.

PreventionGenetics, part of Exact Sciences
Classification: Uncertain significance for COL4A2-related condition. Last evaluated: 2024-12-04. Review status: criteria provided, single submitter. Criteria: ACMG Guidelines, 2015. Collection method: clinical testing. Allele origin: germline.
Comment: The COL4A2 c.4828C>T variant is predicted to result in the amino acid substitution p.Pro1610Ser. To our knowledge, this variant has not been reported in the literature. This variant is reported in 0.0078% of alleles in individuals of European (Non-Finnish) descent in gnomAD. At this time, the clinical significance of this variant is uncertain due to the absence of conclusive functional and genetic evidence.

CeGaT Center for Human Genetics Tuebingen
Classification: Likely benign. Last evaluated: 2024-10-01. Review status: criteria provided, single submitter. Criteria: CeGaT Center For Human Genetics Tuebingen Variant Classification Criteria Version 2. Collection method: clinical testing. Allele origin: germline. Affected: yes. Observed: 3 variant alleles.
Comment: COL4A2: BS2

NM_001846.4(COL4A2):c.4828C>T (p.Pro1610Ser)

Genes: COL4A2 (collagen type IV alpha 2 chain; plus strand), COL4A2-AS1 (COL4A2 antisense RNA 1; minus strand). Cytogenetic location: 13q34.
Variant type: single nucleotide variant.
Coding change: c.4828C>T on transcript NM_001846.4 (MANE Select); coding-DNA position 4828, C replaced by T.
Protein change: p.Pro1610Ser; replaces proline 1610 with serine.
Molecular consequence: missense variant. On other transcripts: non-coding transcript variant (1).
Genome position (GRCh38, 1-based): chr13:110,508,168, C>T. VCF-style: chr13-110508168-C-T. GRCh37 (hg19) VCF-style: chr13-111160515-C-T.
Other names: c.4828C>T (NM_001846.3); short protein forms P1610S.
Identifiers: ClinVar variation 2643956 (VCV002643956.28), dbSNP rs377451586, ClinGen allele CA7050665.